The following is an entry in ClinVar:

NM_006735.4(HOXA2):c.1088_1089del (p.Thr363fs)

Gene: HOXA2 (homeobox A2; minus strand). Cytogenetic location: 7p15.2.
Variant type: Deletion.
Coding change: c.1088_1089del on transcript NM_006735.4 (MANE Select); coding-DNA positions 1088 to 1089, 2 bases deleted (CA; older notation c.1088_1089delCA).
Protein change: p.Thr363fs; shifts the reading frame from threonine 363.
Molecular consequence: frameshift variant.
Genome position (GRCh38, 1-based): chr7:27,100,768-27,100,769, TG deleted on the plus strand (CA on the coding strand, the reverse complement: HOXA2 is on the minus strand); deleting any 2 consecutive bases within chr7:27,100,768-27,100,770 gives the same sequence; the c. name uses the placement nearest the transcript's 3' end. VCF-style (leftmost placement, unchanged base first): chr7-27100767-CTG-C. GRCh37 (hg19) VCF-style: chr7-27140386-CTG-C.
Other names: short protein forms T363fs.
Identifiers: ClinVar variation 4988947 (VCV004988947.1).

ClinVar aggregate classification (germline): Uncertain significance (1 of 4 stars; one submission).

Conditions:
HOXA2-related disorder. Also called: HOXA2-related condition.

Submission:

PreventionGenetics, part of Exact Sciences
Classification: Uncertain significance for HOXA2-related condition. Last evaluated: 2025-01-02. Review status: criteria provided, single submitter. Criteria: ACMG Guidelines, 2015. Collection method: clinical testing. Allele origin: germline.
Comment: The HOXA2 c.1088_1089delCA variant is predicted to result in a frameshift and premature protein termination (p.Thr363Argfs*57). To our knowledge, this variant has not been reported in the literature or in a large population database (gnomAD), indicating this variant is rare. This gene is predicted to be intolerant to loss of function variants. Although we suspect that this variant may be pathogenic, at this time, the clinical significance of this variant is uncertain due to the absence of conclusive functional and genetic evidence.